The following is an entry in ClinVar:

ClinVar aggregate classification (germline): Uncertain significance (1 of 4 stars; one submission).

Submission:

Labcorp Genetics (formerly Invitae), Labcorp
Classification: Uncertain significance. Last evaluated: 2022-03-23. Review status: criteria provided, single submitter. Criteria: Invitae Variant Classification Sherloc (09022015). Collection method: clinical testing. Allele origin: germline.
Comment: This sequence change replaces methionine, which is neutral and non-polar, with threonine, which is neutral and polar, at codon 236 of the KCNV2 protein (p.Met236Thr). In summary, the available evidence is currently insufficient to determine the role of this variant in disease. Therefore, it has been classified as a Variant of Uncertain Significance. Advanced modeling of protein sequence and biophysical properties (such as structural, functional, and spatial information, amino acid conservation, physicochemical variation, residue mobility, and thermodynamic stability) performed at Invitae indicates that this missense variant is not expected to disrupt KCNV2 protein function. This variant has not been reported in the literature in individuals affected with KCNV2-related conditions. This variant is not present in population databases (gnomAD no frequency).

NM_133497.4(KCNV2):c.707T>C (p.Met236Thr)

Gene: KCNV2 (potassium voltage-gated channel modifier subfamily V member 2; plus strand). Cytogenetic location: 9p24.2.
Variant type: single nucleotide variant.
Coding change: c.707T>C on transcript NM_133497.4 (MANE Select); coding-DNA position 707, T replaced by C.
Protein change: p.Met236Thr; replaces methionine 236 with threonine.
Molecular consequence: missense variant.
Genome position (GRCh38, 1-based): chr9:2,718,446, T>C. VCF-style: chr9-2718446-T-C. GRCh37 (hg19) VCF-style: chr9-2718446-T-C.
Other names: short protein forms M236T.
Identifiers: ClinVar variation 1917986 (VCV001917986.5), dbSNP rs1819786525, ClinGen allele CA372798813.